The following is an entry in ClinVar:

NM_007078.3(LDB3):c.329C>T (p.Ala110Val)

Gene: LDB3 (LIM domain binding 3; plus strand). Cytogenetic location: 10q23.2.
Variant type: single nucleotide variant.
Coding change: c.329C>T on transcript NM_007078.3 (MANE Select); coding-DNA position 329, C replaced by T.
Protein change: p.Ala110Val; replaces alanine 110 with valine.
Molecular consequence: missense variant. On other transcripts: intron variant (5).
Genome position (GRCh38, 1-based): chr10:86,681,443, C>T. VCF-style: chr10-86681443-C-T. GRCh37 (hg19) VCF-style: chr10-88441200-C-T.
Other names: c.329C>T, p.Ala110Val (NM_001080115.2, NM_001171610.2, NM_001171611.2 and 3 more transcripts); c.321+1286C>T (NM_001368068.1, NM_001368066.1, NM_001080114.2 and 2 more transcripts); short protein forms A110V.
Identifiers: ClinVar variation 1649092 (VCV001649092.8), dbSNP rs1204980784, ClinGen allele CA377452951.
Genomic context (GRCh38, chr10:86,681,443, plus strand): 5'-GTGGCCTCTAACCGCTCTCTTCTCTCTCCCCTGCATGGCCTGCCCTGTGCCAGGACCCCG[C>T]TCTGGACACGAACGGCAGCCTGGTGGCACCCAGCCCCAGCCCTGAGGCGAGGGCCAGCCC-3'
Protein context (NP_009009.1, residues 100-120): LPVIPHQKDP[Ala110Val]LDTNGSLVAP

ClinVar aggregate classification (germline): Uncertain significance (1 of 4 stars; one submission).

Conditions:
Myofibrillar myopathy 4. Also called: Zaspopathy (type). Identifiers: Orphanet 98912, MedGen C4721886, MONDO:0012277, OMIM 609452.

Submission:

Labcorp Genetics (formerly Invitae), Labcorp
Classification: Uncertain significance for Myofibrillar myopathy 4. Last evaluated: 2023-05-23. Review status: criteria provided, single submitter. Criteria: Invitae Variant Classification Sherloc (09022015). Collection method: clinical testing. Allele origin: germline.
Comment: The LDB3 gene has multiple clinically relevant transcripts. This variant occurs in alternate transcript NM_007078.3, and corresponds to NM_001080116.1:c.321+1286C>T in the primary transcript. This sequence change replaces alanine, which is neutral and non-polar, with valine, which is neutral and non-polar, at codon 110 of the LDB3 protein (p.Ala110Val). Algorithms developed to predict the effect of sequence changes on RNA splicing suggest that this variant is not likely to affect RNA splicing. In summary, the available evidence is currently insufficient to determine the role of this variant in disease. Therefore, it has been classified as a Variant of Uncertain Significance. This variant is not present in population databases (gnomAD no frequency). This variant has not been reported in the literature in individuals affected with LDB3-related conditions. ClinVar contains an entry for this variant (Variation ID: 1649092). Experimental studies and prediction algorithms are not available or were not evaluated, and the functional significance of this variant is currently unknown.